The following is an entry in ClinVar:

ClinVar aggregate classification (germline): Likely benign. Review status: criteria provided, multiple submitters, no conflicts (2 of 4 stars). 3 submissions from 3 submitters: Likely benign (2). 1 of the submissions does not count toward it. Last evaluated 2024-03-30.

Conditions:
PIEZO1-related disorder. Also called: PIEZO1-Related Disorders; PIEZO1-related condition.

Allele frequency attached by ClinVar (database versions not stated): TOPMed 0.00002; gnomAD 0.00004 and 0.00006.
gnomAD v4.1: 96 of 1,518,602 alleles (0.0063%); highest among the groups gnomAD compares: South Asian, 0.097%; no homozygotes.

Submissions (3):

Labcorp Genetics (formerly Invitae), Labcorp
Classification: Likely benign. Last evaluated: 2024-03-30. Review status: criteria provided, single submitter. Criteria: Invitae Variant Classification Sherloc (09022015). Collection method: clinical testing. Allele origin: germline.

ARUP Laboratories, Molecular Genetics and Genomics, ARUP Laboratories
Classification: Likely benign. Last evaluated: 2021-11-03. Review status: criteria provided, single submitter. Criteria: ARUP Molecular Germline Variant Investigation Process 2021. Collection method: clinical testing. Allele origin: germline.

PreventionGenetics, part of Exact Sciences
Classification: Likely benign for PIEZO1-related condition. Last evaluated: 2019-06-05. Review status: no assertion criteria provided. Collection method: clinical testing. Allele origin: germline. Not counted in ClinVar's aggregate classification.
Comment: This variant is classified as likely benign based on ACMG/AMP sequence variant interpretation guidelines (Richards et al. 2015 PMID: 25741868, with internal and published modifications).

NM_001142864.4(PIEZO1):c.4775+9G>A

Gene: PIEZO1 (piezo type mechanosensitive ion channel component 1 (Er blood group); minus strand). Cytogenetic location: 16q24.3.
Variant type: single nucleotide variant.
Coding change: c.4775+9G>A on transcript NM_001142864.4 (MANE Select); 9 bases into the intron after coding-DNA position 4775, G replaced by A.
Molecular consequence: intron variant.
Genome position (GRCh38, 1-based): chr16:88,722,574, C>T on the plus strand (G>A on the coding strand, the complement: PIEZO1 is on the minus strand). VCF-style: chr16-88722574-C-T. GRCh37 (hg19) VCF-style: chr16-88788982-C-T.
Other names: c.4775+9G>A (NM_001142864.3).
Identifiers: ClinVar variation 1330615 (VCV001330615.11), dbSNP rs758431569, ClinGen allele CA8232052.
Genomic context (GRCh38, chr16:88,722,574, plus strand): 5'-TCGGGGATGGCTAGGCGATGCCCACACACCAGGGGCAGCAGCTGGGGCTCGGGTCACCCC[C>T]GCACCTACCTGGACACGGTGCTTGGGGCATTGGGGGCCTCGGTGGGGCCTGGCAGCGTGG-3'